The following is an entry in ClinVar:

NM_005431.2(XRCC2):c.827G>A (p.Gly276Glu)

Gene: XRCC2 (X-ray repair cross complementing 2; minus strand). Cytogenetic location: 7q36.1.
Variant type: single nucleotide variant.
Coding change: c.827G>A on transcript NM_005431.2 (MANE Select); coding-DNA position 827, G replaced by A.
Protein change: p.Gly276Glu; replaces glycine 276 with glutamic acid.
Molecular consequence: missense variant.
Genome position (GRCh38, 1-based): chr7:152,648,658, C>T on the plus strand (G>A on the coding strand, the complement: XRCC2 is on the minus strand). VCF-style: chr7-152648658-C-T. GRCh37 (hg19) VCF-style: chr7-152345743-C-T.
Other names: short protein forms G276E.
Identifiers: ClinVar variation 2587808 (VCV002587808.2), dbSNP rs2116986881, ClinGen allele CA370197850.

ClinVar aggregate classification (germline): Uncertain significance (1 of 4 stars; one submission).

Conditions:
Hereditary cancer-predisposing syndrome. Also called: Tumor predisposition; Hereditary Cancer Syndrome; Hereditary neoplastic syndrome; Neoplastic Syndromes, Hereditary. Identifiers: Orphanet 140162, MedGen C0027672, MeSH D009386, MONDO:0015356.

Submission:

Ambry Genetics
Classification: Uncertain significance for Hereditary cancer-predisposing syndrome. Last evaluated: 2023-07-30. Review status: criteria provided, single submitter. Criteria: Ambry Variant Classification Scheme 2023. Collection method: clinical testing. Allele origin: germline.
Comment: The p.G276E variant (also known as c.827G>A), located in coding exon 3 of the XRCC2 gene, results from a G to A substitution at nucleotide position 827. The glycine at codon 276 is replaced by glutamic acid, an amino acid with similar properties. This amino acid position is conserved. In addition, this alteration is predicted to be deleterious by in silico analysis. Since supporting evidence is limited at this time, the clinical significance of this alteration remains unclear.